The following is an entry in ClinVar:

NM_001376.5(DYNC1H1):c.9053C>G (p.Pro3018Arg)

Genes: DYNC1H1 (dynein cytoplasmic 1 heavy chain 1; plus strand), LOC126862060 (BRD4-independent group 4 enhancer GRCh37_chr14:102493659-102494858; plus strand). Cytogenetic location: 14q32.31.
Variant type: single nucleotide variant.
Coding change: c.9053C>G on transcript NM_001376.5 (MANE Select); coding-DNA position 9053, C replaced by G.
Protein change: p.Pro3018Arg; replaces proline 3018 with arginine.
Molecular consequence: missense variant.
Genome position (GRCh38, 1-based): chr14:102,027,623, C>G. VCF-style: chr14-102027623-C-G. GRCh37 (hg19) VCF-style: chr14-102493960-C-G.
Other names: short protein forms P3018R.
Identifiers: ClinVar variation 1492177 (VCV001492177.8), dbSNP rs2152589129, ClinGen allele CA391010980.

ClinVar aggregate classification (germline): Uncertain significance (1 of 4 stars; one submission).

Conditions:
Charcot-Marie-Tooth disease axonal type 2O. Also called: CHARCOT-MARIE-TOOTH NEUROPATHY, AXONAL, TYPE 2O; CHARCOT-MARIE-TOOTH DISEASE, AXONAL, AUTOSOMAL DOMINANT, TYPE 2O; Charcot-Marie-Tooth disease, axonal, type 20; Charcot-Marie-Tooth Neuropathy Type 2O. Identifiers: Orphanet 284232, MedGen C3280220, MONDO:0013644, OMIM 614228.

Submission:

Labcorp Genetics (formerly Invitae), Labcorp
Classification: Uncertain significance for Charcot-Marie-Tooth disease axonal type 2O. Last evaluated: 2021-05-24. Review status: criteria provided, single submitter. Criteria: Invitae Variant Classification Sherloc (09022015). Collection method: clinical testing. Allele origin: germline.
Comment: This variant has not been reported in the literature in individuals with DYNC1H1-related conditions. This sequence change replaces proline with arginine at codon 3018 of the DYNC1H1 protein (p.Pro3018Arg). The proline residue is highly conserved and there is a moderate physicochemical difference between proline and arginine. This variant is not present in population databases (ExAC no frequency). Algorithms developed to predict the effect of missense changes on protein structure and function (SIFT, PolyPhen-2, Align-GVGD) all suggest that this variant is likely to be disruptive, but these predictions have not been confirmed by published functional studies and their clinical significance is uncertain. Algorithms developed to predict the effect of sequence changes on RNA splicing suggest that this variant may create or strengthen a splice site, but this prediction has not been confirmed by published transcriptional studies. In summary, the available evidence is currently insufficient to determine the role of this variant in disease. Therefore, it has been classified as a Variant of Uncertain Significance.